The following is an entry in ClinVar:

NM_018897.3(DNAH7):c.4549-3del

Gene: DNAH7 (dynein axonemal heavy chain 7; minus strand). Cytogenetic location: 2q32.3.
Variant type: Deletion.
Coding change: c.4549-3del on transcript NM_018897.3 (MANE Select); 3 bases into the intron before coding-DNA position 4549, one base deleted (T; older notation c.4549-3delT).
Molecular consequence: intron variant.
Genome position (GRCh38, 1-based): chr2:195,897,768, A deleted on the plus strand (T on the coding strand, the reverse complement: DNAH7 is on the minus strand); the first of 17 consecutive A bases (chr2:195,897,768-195,897,784); deleting any one gives the same sequence. VCF-style (leftmost placement, unchanged base first): chr2-195897767-TA-T. GRCh37 (hg19) VCF-style: chr2-196762491-TA-T.
Identifiers: ClinVar variation 402752 (VCV000402752.4), dbSNP rs61502519, ClinGen allele CA2035668.
Genomic context (GRCh38, chr2:195,897,767, plus strand): 5'-TTTACATCAATGATAGATCTAAGCAGCAAAATTTCTTCATTTTCATTTGGATATTTCAGC[TA>T]AAAAAAAAAAAAAAAACTCATGAGGATATCTGCATCTCCTAACAGCACCTACCCGCTTCG-3'

ClinVar aggregate classification (germline): Benign (1 of 4 stars; one submission).

Submission:

Laboratory for Molecular Medicine, Mass General Brigham Personalized Medicine
Classification: Benign. Last evaluated: 2016-03-29. Review status: criteria provided, single submitter. Criteria: LMM Criteria. Collection method: clinical testing. Allele origin: germline.
Comment: Variant identified in a genome or exome case(s) and assessed due to predicted null impact of the variant or pathogenic assertions in the literature or databases. Disclaimer: This variant has not undergone full assessment. The following are preliminary notes: Frequency